The following is an entry in ClinVar:

ClinVar aggregate classification (germline): Uncertain significance (1 of 4 stars; one submission).

Allele frequency attached by ClinVar (database versions not stated): gnomAD exomes below 0.00001; ExAC 0.00001; TOPMed 0.00001.
gnomAD v4.1: 2 of 1,614,162 alleles (0.00012%); highest among the groups gnomAD compares: East Asian, 0.0045%; no homozygotes.

Submission:

ARUP Laboratories, Molecular Genetics and Genomics, ARUP Laboratories
Classification: Uncertain significance. Last evaluated: 2022-08-17. Review status: criteria provided, single submitter. Criteria: ARUP Molecular Germline Variant Investigation Process 2021. Collection method: clinical testing. Allele origin: germline.
Comment: The GYG1 c.674A>G; p.Asp225Gly variant (rs771963932), to our knowledge, is not reported in the medical literature or gene specific databases. This variant is only observed on three alleles in the Genome Aggregation Database, indicating it is not a common polymorphism. The aspartate at codon 225 is moderately conserved, but computational analyses are uncertain whether this variant is neutral or deleterious (REVEL: 0.233). Due to limited information, the clinical significance of this variant is uncertain at this time.

NM_004130.4(GYG1):c.674A>G (p.Asp225Gly)

Gene: GYG1 (glycogenin 1; plus strand). Cytogenetic location: 3q24.
Variant type: single nucleotide variant.
Coding change: c.674A>G on transcript NM_004130.4 (MANE Select); coding-DNA position 674, A replaced by G.
Protein change: p.Asp225Gly; replaces aspartic acid 225 with glycine.
Molecular consequence: missense variant. On other transcripts: intron variant (1).
Genome position (GRCh38, 1-based): chr3:149,024,118, A>G. VCF-style: chr3-149024118-A-G. GRCh37 (hg19) VCF-style: chr3-148741905-A-G.
Other names: c.674A>G, p.Asp225Gly (NM_001184720.2); c.609-2642A>G (NM_001184721.2); short protein forms D225G.
Identifiers: ClinVar variation 2428619 (VCV002428619.3), dbSNP rs771963932, ClinGen allele CA2658634.
Genomic context (GRCh38, chr3:149,024,118, plus strand): 5'-GTGCAAGTGCCAAAGTTGTGCATTTCCTGGGACGAGTCAAACCATGGAATTATACTTATG[A>G]TCCCAAAACAAAAAGTGTCAAAAGTGAGGCCCATGATCCCAACATGACTCATCCAGAGTT-3'
Protein context (NP_004121.2, residues 215-235): GRVKPWNYTY[Asp225Gly]PKTKSVKSEA